The following is an entry in ClinVar:

ClinVar aggregate classification (germline): Pathogenic. Review status: reviewed by expert panel (3 of 4 stars). 7 submissions from 7 submitters: Pathogenic (1). 6 of the submissions do not count toward it. Last evaluated 2017-12-15.

Conditions:
BRCA2-related disorder. Also called: BRCA2-related condition; BRCA2-related disorders. Identifiers: MedGen CN239275.
Hereditary cancer-predisposing syndrome. Also called: Hereditary Cancer Syndrome; Tumor predisposition; Hereditary neoplastic syndrome; Neoplastic Syndromes, Hereditary. Identifiers: Orphanet 140162, MedGen C0027672, MeSH D009386, MONDO:0015356.
Hereditary breast ovarian cancer syndrome. Also called: Hereditary breast and/or ovarian cancer syndrome; Breast and ovarian cancer; BRCA1- and BRCA2-Associated Hereditary Breast and Ovarian Cancer; Hereditary breast and ovarian cancer syndrome (HBOC); Hereditary breast and ovarian cancer syndrome; Hereditary breast and ovarian cancer. Identifiers: Orphanet 145, MedGen C0677776, MeSH D061325, MONDO:0003582. Disease mechanism: loss of function.
Breast-ovarian cancer, familial, susceptibility to, 2 (BROVCA2). Also called: BRCA2 Hereditary Breast and Ovarian Cancer. Identifiers: Orphanet 145, MedGen C2675520, MONDO:0012933, OMIM 612555. Disease mechanism: loss of function.

Allele frequency attached by ClinVar (database versions not stated): gnomAD exomes below 0.00001.

Submissions (7):

Evidence-based Network for the Interpretation of Germline Mutant Alleles (ENIGMA)
Classification: Pathogenic for Breast-ovarian cancer, familial, susceptibility to, 2. Last evaluated: 2017-12-15. Review status: reviewed by expert panel. Criteria: ENIGMA BRCA1/2 Classification Criteria (2017-06-29). Collection method: curation. Allele origin: germline. Study: ENIGMA.
Comment: Variant allele predicted to encode a truncated non-functional protein.

Women's Health and Genetics/Laboratory Corporation of America, LabCorp
Classification: Pathogenic for Hereditary breast ovarian cancer syndrome. Last evaluated: 2026-02-20. Review status: criteria provided, single submitter. Criteria: LabCorp Variant Classification Summary - May 2015. Collection method: clinical testing. Allele origin: germline. Not counted in ClinVar's aggregate classification.
Comment: Variant summary: BRCA2 c.3866_3868dupAAT (p.Cys1290X) results in a premature termination codon, predicted to cause a truncation of the encoded protein or absence of the protein due to nonsense mediated decay, which are commonly known mechanisms for disease. The variant was absent in 195900 control chromosomes. c.3866_3868dupAAT has been reported in the literature in an individual affected with Hereditary Breast And Ovarian Cancer Syndrome (Friebel_2019). To our knowledge, no experimental evidence demonstrating an impact on protein function has been reported. The following publication has been ascertained in the context of this evaluation (PMID: 31112363). ClinVar contains an entry for this variant (Variation ID: 441397). Based on the evidence outlined above, the variant was classified as pathogenic.

Labcorp Genetics (formerly Invitae), Labcorp
Classification: Pathogenic for Hereditary breast ovarian cancer syndrome. Last evaluated: 2025-12-03. Review status: criteria provided, single submitter. Criteria: Invitae Variant Classification Sherloc (09022015). Collection method: clinical testing. Allele origin: germline. Not counted in ClinVar's aggregate classification.
Comment: This sequence change creates a premature translational stop signal (p.Cys1290*) in the BRCA2 gene. It is expected to result in an absent or disrupted protein product. Loss-of-function variants in BRCA2 are known to be pathogenic (PMID: 20104584). This variant is not present in population databases (gnomAD no frequency). This variant has not been reported in the literature in individuals affected with BRCA2-related conditions. ClinVar contains an entry for this variant (Variation ID: 441397). For these reasons, this variant has been classified as Pathogenic.

Color Diagnostics, LLC DBA Color Health
Classification: Pathogenic for Hereditary cancer-predisposing syndrome. Last evaluated: 2025-09-30. Review status: criteria provided, single submitter. Criteria: ACMG Guidelines, 2015. Collection method: clinical testing. Allele origin: germline. Not counted in ClinVar's aggregate classification.
Comment: This variant causes the duplication of 3 basepairs in exon 11 of the BRCA2 gene, creating a premature translation stop signal. This variant is expected to result in an absent or non-functional protein product. This variant has been reported in a suspected hereditary breast and ovarian cancer family (PMID: 31112363). Multifactorial analysis on clinical data has reached a combined likelihood ratio (LR) of 2.345 from published LR for 4 carriers (PMID: 31853058). This variant has been identified in 1/1389106 chromosomes in the general population by the Genome Aggregation Database (gnomAD). Loss of BRCA2 function is a known mechanism of disease. Based on the available evidence, this variant is classified as Pathogenic.

PreventionGenetics, part of Exact Sciences
Classification: Pathogenic for BRCA2-related condition. Last evaluated: 2025-06-20. Review status: criteria provided, single submitter. Criteria: ACMG Guidelines, 2015. Collection method: clinical testing. Allele origin: germline. Not counted in ClinVar's aggregate classification.
Comment: The BRCA2 c.3866_3868dupAAT variant is predicted to result in premature protein termination (p.Cys1290*). This variant has not been reported in a large population database (gnomAD), indicating this variant is rare. This variant is interpreted as pathogenic in ClinVar. Nonsense variants in BRCA2 are expected to be pathogenic. This variant is interpreted as pathogenic.

Ambry Genetics
Classification: Pathogenic for Hereditary cancer-predisposing syndrome. Last evaluated: 2022-06-28. Review status: criteria provided, single submitter. Criteria: Ambry Variant Classification Scheme 2023. Collection method: clinical testing. Allele origin: germline. Not counted in ClinVar's aggregate classification.
Comment: The c.3866_3868dupAAT pathogenic mutation located in coding exon 10 of the BRCA2 gene, results from an in-frame duplication of AAT between nucleotide positions 3866 and 3868. This results in insertion of a stop signal at codon 1290 (p.K1289_C1290ins*). This alteration is expected to result in loss of function by premature protein truncation or nonsense-mediated mRNA decay. As such, this alteration is interpreted as a disease-causing mutation.

Quest Diagnostics Nichols Institute San Juan Capistrano
Classification: Pathogenic. Last evaluated: 2018-03-07. Review status: criteria provided, single submitter. Criteria: Quest Diagnostics criteria. Collection method: clinical testing. Allele origin: germline. Not counted in ClinVar's aggregate classification.

Literature cited by the submitters: PubMed 31112363 (cited by Women's Health and Genetics/Laboratory Corporation of America, LabCorp and Color Diagnostics, LLC DBA Color Health); PubMed 20104584 (cited by Labcorp Genetics (formerly Invitae), Labcorp); PubMed 31853058 (cited by Color Diagnostics, LLC DBA Color Health).

NM_000059.4(BRCA2):c.3866_3868dup (p.Cys1290Ter)

Gene: BRCA2 (BRCA2 DNA repair associated; plus strand). Cytogenetic location: 13q13.1.
Variant type: Duplication.
Coding change: c.3866_3868dup on transcript NM_000059.4 (MANE Select); coding-DNA positions 3866 to 3868, 3 bases duplicated (AAT; older notation c.3866_3868dupAAT).
Protein change: p.Cys1290Ter; replaces cysteine 1290 with a stop codon.
Molecular consequence: nonsense.
Genome position (GRCh38, 1-based): chr13:32,338,221-32,338,223, AAT duplicated. VCF-style (leftmost placement, unchanged base first): chr13-32338220-A-AAAT. GRCh37 (hg19) VCF-style: chr13-32912357-A-AAAT.
Other names: c.3866_3868dupAAT (NM_000059.3, NM_000059.4); short protein forms C1290*.
Identifiers: ClinVar variation 441397 (VCV000441397.21), dbSNP rs1555283442, ClinGen allele CA658653658.
Genomic context (GRCh38, chr13:32,338,220, plus strand): 5'-GTTGTTTCAATGTTTAAGATAGAAAATCATAATGATAAAACTGTAAGTGAAAAAAATAAT[A>AAAT]AATGCCAACTGATATTACAAAATAATATTGAAATGACTACTGGCACTTTTGTTGAAGAAA-3'